The following is an entry in ClinVar:

ClinVar aggregate classification (germline): Uncertain significance (1 of 4 stars; one submission).

Conditions:
Glycogen storage disease, type II (IOPD). Also called: Pompe Disease; CARDIOMEGALIA GLYCOGENICA DIFFUSA; GLYCOGENOSIS, GENERALIZED, CARDIAC FORM; GSD II; POMPE DISEASE, INFANTILE-ONSET; GLYCOGEN STORAGE DISEASE II, INFANTILE-ONSET. Identifiers: Orphanet 365, MedGen C0017921, MONDO:0009290, OMIM 232300.

Submission:

Genomenon, Inc
Classification: Uncertain significance for Glycogen storage disease, type II. Last evaluated: 2026-07-01. Review status: criteria provided, single submitter. Criteria: Genomenon Sequence Variant Interpretation Standards - Updated. Collection method: curation. Allele origin: germline. Affected: no.
Comment: GAA p.Ala719Pro (c.2155G>C) is a missense variant that changes the amino acid at codon 719 from Alanine to Proline. This variant has been reported in the published literature (PMID:34357340). It is absent or not present at a significant frequency in gnomAD. In silico models predict that this variant is not damaging. In conclusion, we classify GAA p.Ala719Pro (c.2155G>C) as a variant of uncertain significance.

Literature cited by the submitters: PubMed 34357340.

NM_000152.5(GAA):c.2155G>C (p.Ala719Pro)

Gene: GAA (alpha glucosidase; plus strand). Cytogenetic location: 17q25.3.
Variant type: single nucleotide variant.
Coding change: c.2155G>C on transcript NM_000152.5 (MANE Select); coding-DNA position 2155, G replaced by C.
Protein change: p.Ala719Pro; replaces alanine 719 with proline.
Molecular consequence: missense variant.
Genome position (GRCh38, 1-based): chr17:80,113,332, G>C. VCF-style: chr17-80113332-G-C. GRCh37 (hg19) VCF-style: chr17-78087131-G-C.
Other names: c.2155G>C, p.Ala719Pro (NM_001079803.3, NM_001079804.3, NM_001406741.1 and 1 more transcripts); short protein forms A719P.
Identifiers: ClinVar variation 4876442 (VCV004876442.1).